The following is an entry in ClinVar:

ClinVar aggregate classification (germline): Uncertain significance (1 of 4 stars; one submission).

Conditions:
Epidermolysis bullosa simplex 5C, with pyloric atresia (EBS5C). Also called: Epidermolysis bullosa simplex with pyloric atresia; PLEC-Related Epidermolysis Bullosa with Pyloric Atresia; PLEC1-Related Epidermolysis Bullosa with Pyloric Atresia. Identifiers: Orphanet 158684, MedGen C2677349, MONDO:0012807, OMIM 612138.
Epidermolysis bullosa simplex 5B, with muscular dystrophy (EBS5B). Also called: Epidermolysis bullosa simplex with muscular dystrophy; EPIDERMOLYSIS BULLOSA SIMPLEX AND LIMB-GIRDLE MUSCULAR DYSTROPHY. Identifiers: Orphanet 257, MedGen C2931072, MONDO:0009181, OMIM 226670.
Epidermolysis bullosa simplex, Ogna type (EBS5A). Also called: Pidermolysis bullosa simplex 5A, Ogna type; EPIDERMOLYSIS BULLOSA SIMPLEX 5A, OGNA TYPE. Identifiers: Orphanet 79401, MedGen C0432317, MONDO:0007555, OMIM 131950.
Epidermolysis bullosa simplex with nail dystrophy (EBS5D). Identifiers: MedGen C4225309, MONDO:0014661, OMIM 616487.
Autosomal recessive limb-girdle muscular dystrophy type 2Q (LGMDR17). Also called: MUSCULAR DYSTROPHY, LIMB-GIRDLE, AUTOSOMAL RECESSIVE 17. Identifiers: Orphanet 254361, MedGen C3150989, MONDO:0013390, OMIM 613723.

Allele frequency attached by ClinVar (database versions not stated): gnomAD exomes below 0.00001; gnomAD 0.00001; ESP Exome Variant Server 0.00008.

Submission:

Labcorp Genetics (formerly Invitae), Labcorp
Classification: Uncertain significance for Autosomal recessive limb-girdle muscular dystrophy type 2Q; Epidermolysis bullosa simplex, Ogna type; Epidermolysis bullosa simplex with nail dystrophy; Epidermolysis bullosa simplex 5C, with pyloric atresia; Epidermolysis bullosa simplex 5B, with muscular dystrophy. Last evaluated: 2022-02-04. Review status: criteria provided, single submitter. Criteria: Invitae Variant Classification Sherloc (09022015). Collection method: clinical testing. Allele origin: germline.
Comment: This sequence change replaces phenylalanine, which is neutral and non-polar, with leucine, which is neutral and non-polar, at codon 4053 of the PLEC protein (p.Phe4053Leu). This variant is present in population databases (rs374049856, gnomAD 0.002%). In summary, the available evidence is currently insufficient to determine the role of this variant in disease. Therefore, it has been classified as a Variant of Uncertain Significance. Algorithms developed to predict the effect of missense changes on protein structure and function are either unavailable or do not agree on the potential impact of this missense change (SIFT: "Deleterious"; PolyPhen-2: "Probably Damaging"; Align-GVGD: "Class C15"). ClinVar contains an entry for this variant (Variation ID: 656987). This variant has not been reported in the literature in individuals affected with PLEC-related conditions.

NM_201384.3(PLEC):c.12078C>A (p.Phe4026Leu)

Gene: PLEC (plectin; minus strand). Cytogenetic location: 8q24.3.
Variant type: single nucleotide variant.
Coding change: c.12078C>A on transcript NM_201384.3 (MANE Select); coding-DNA position 12078, C replaced by A.
Protein change: p.Phe4026Leu; replaces phenylalanine 4026 with leucine.
Molecular consequence: missense variant.
Genome position (GRCh38, 1-based): chr8:143,917,743, G>T on the plus strand (C>A on the coding strand, the complement: PLEC is on the minus strand). VCF-style: chr8-143917743-G-T. GRCh37 (hg19) VCF-style: chr8-144991911-G-T.
Other names: c.12159C>A, p.Phe4053Leu (NM_000445.5); c.12036C>A, p.Phe4012Leu (NM_201378.4); c.12012C>A, p.Phe4004Leu (NM_201379.3); c.12489C>A, p.Phe4163Leu (NM_201380.4); c.11982C>A, p.Phe3994Leu (NM_201381.3); c.12078C>A, p.Phe4026Leu (NM_201382.4); c.12090C>A, p.Phe4030Leu (NM_201383.3); short protein forms F4004L, F4026L, F4163L, F3994L, F4030L, F4053L, F4012L.
Identifiers: ClinVar variation 656987 (VCV000656987.11), dbSNP rs374049856, ClinGen allele CA4924180.